The following is an entry in ClinVar:

NM_001130987.2(DYSF):c.2435T>A (p.Val812Asp)

Gene: DYSF (dysferlin; plus strand). Cytogenetic location: 2p13.2.
Variant type: single nucleotide variant.
Coding change: c.2435T>A on transcript NM_001130987.2 (MANE Select); coding-DNA position 2435, T replaced by A.
Protein change: p.Val812Asp; replaces valine 812 with aspartic acid.
Molecular consequence: missense variant.
Genome position (GRCh38, 1-based): chr2:71,564,083, T>A. VCF-style: chr2-71564083-T-A. GRCh37 (hg19) VCF-style: chr2-71791213-T-A.
Other names: c.2384T>A, p.Val795Asp (NM_001130455.2, NM_001130983.2); c.2339T>A, p.Val780Asp (NM_001130976.2, NM_001130977.2); c.2381T>A, p.Val794Asp (NM_001130978.2, NM_003494.4); c.2474T>A, p.Val825Asp (NM_001130979.2); c.2432T>A, p.Val811Asp (NM_001130980.2, NM_001130981.2); c.2477T>A, p.Val826Asp (NM_001130982.2); c.2342T>A, p.Val781Asp (NM_001130984.2, NM_001130986.2); c.2435T>A, p.Val812Asp (NM_001130985.2); and 1 more; short protein forms V780D, V812D, V825D, V781D, V811D, V826D, V794D, V795D.
Identifiers: ClinVar variation 2202081 (VCV002202081.4), dbSNP rs1267552467, ClinGen allele CA347211196.

ClinVar aggregate classification (germline): Uncertain significance. Review status: criteria provided, multiple submitters, no conflicts (2 of 4 stars). 2 submissions from 2 submitters: Uncertain significance (2). Last evaluated 2021-08-25.

Conditions:
Neuromuscular disease caused by qualitative or quantitative defects of dysferlin. Also called: Dysferlinopathy; Qualitative or quantitative defects of dysferlin. Identifiers: Orphanet 207073, MedGen C2931687, MONDO:0016145.

Allele frequency attached by ClinVar (database versions not stated): gnomAD exomes below 0.00001; TOPMed 0.00001.
gnomAD v4.1: 4 of 1,614,098 alleles (0.00025%); highest among the groups gnomAD compares: Admixed American, 0.0067%; no homozygotes.

Submissions (2):

Labcorp Genetics (formerly Invitae), Labcorp
Classification: Uncertain significance for Neuromuscular disease caused by qualitative or quantitative defects of dysferlin. Last evaluated: 2021-08-25. Review status: criteria provided, single submitter. Criteria: Invitae Variant Classification Sherloc (09022015). Collection method: clinical testing. Allele origin: germline.
Comment: This sequence change replaces valine with aspartic acid at codon 794 of the DYSF protein (p.Val794Asp). The valine residue is weakly conserved and there is a large physicochemical difference between valine and aspartic acid. This variant is not present in population databases (ExAC no frequency). This variant has not been reported in the literature in individuals affected with DYSF-related conditions. Advanced modeling of protein sequence and biophysical properties (such as structural, functional, and spatial information, amino acid conservation, physicochemical variation, residue mobility, and thermodynamic stability) performed at Invitae indicates that this missense variant is not expected to disrupt DYSF protein function. In summary, the available evidence is currently insufficient to determine the role of this variant in disease. Therefore, it has been classified as a Variant of Uncertain Significance.

Revvity Omics, Revvity
Classification: Uncertain significance. Last evaluated: 2020-11-19. Review status: criteria provided, single submitter. Criteria: ACMG Guidelines, 2015. Collection method: clinical testing. Allele origin: germline.